The following is an entry in ClinVar:

NM_000057.4(BLM):c.4109A>G (p.Lys1370Arg)

Gene: BLM (BLM RecQ like helicase; plus strand). Cytogenetic location: 15q26.1.
Variant type: single nucleotide variant.
Coding change: c.4109A>G on transcript NM_000057.4 (MANE Select); coding-DNA position 4109, A replaced by G.
Protein change: p.Lys1370Arg; replaces lysine 1370 with arginine.
Molecular consequence: missense variant.
Genome position (GRCh38, 1-based): chr15:90,815,134, A>G. VCF-style: chr15-90815134-A-G. GRCh37 (hg19) VCF-style: chr15-91358364-A-G.
Other names: c.4109A>G, p.Lys1370Arg (NM_001287246.2); c.3716A>G, p.Lys1239Arg (NM_001287247.2); c.2984A>G, p.Lys995Arg (NM_001287248.2); short protein forms K1239R, K1370R, K995R.
Identifiers: ClinVar variation 1737898 (VCV001737898.2), dbSNP rs1338721724, ClinGen allele CA393852149.

ClinVar aggregate classification (germline): Uncertain significance (1 of 4 stars; one submission).

Conditions:
Hereditary cancer-predisposing syndrome. Also called: Neoplastic Syndromes, Hereditary; Tumor predisposition; Hereditary Cancer Syndrome; Hereditary neoplastic syndrome. Identifiers: Orphanet 140162, MedGen C0027672, MeSH D009386, MONDO:0015356.

Submission:

Ambry Genetics
Classification: Uncertain significance for Hereditary cancer-predisposing syndrome. Last evaluated: 2021-10-13. Review status: criteria provided, single submitter. Criteria: Ambry Variant Classification Scheme 2023. Collection method: clinical testing. Allele origin: germline.
Comment: The p.K1370R variant (also known as c.4109A>G), located in coding exon 21 of the BLM gene, results from an A to G substitution at nucleotide position 4109. The lysine at codon 1370 is replaced by arginine, an amino acid with highly similar properties. This amino acid position is conserved. In addition, this alteration is predicted to be tolerated by in silico analysis. Since supporting evidence is limited at this time, the clinical significance of this alteration remains unclear.